The following is an entry in ClinVar:

ClinVar aggregate classification (germline): Benign/Likely benign. Review status: criteria provided, multiple submitters, no conflicts (2 of 4 stars). 2 submissions from 2 submitters: Benign (1); Likely benign (1). Last evaluated 2025-07-01.

Conditions:
Rubinstein-Taybi syndrome due to EP300 haploinsufficiency. Also called: EP300-Related Rubinstein-Taybi Syndrome; RUBINSTEIN-TAYBI SYNDROME 2. Identifiers: Orphanet 353284, Orphanet 783, MedGen C3150941, MONDO:0013364, OMIM 613684.

Allele frequency attached by ClinVar (database versions not stated): gnomAD exomes below 0.00001; ExAC 0.00001.
gnomAD v4.1: 3 of 1,613,822 alleles (0.00019%); highest among the groups gnomAD compares: Non-Finnish European, 0.00025%; no homozygotes.

Submissions (2):

CeGaT Center for Human Genetics Tuebingen
Classification: Likely benign. Last evaluated: 2025-07-01. Review status: criteria provided, single submitter. Criteria: CeGaT Center For Human Genetics Tuebingen Variant Classification Criteria Version 2. Collection method: clinical testing. Allele origin: germline. Affected: yes. Observed: 2 variant alleles.
Comment: EP300: BS2

Labcorp Genetics (formerly Invitae), Labcorp
Classification: Benign for Rubinstein-Taybi syndrome due to EP300 haploinsufficiency. Last evaluated: 2024-03-04. Review status: criteria provided, single submitter. Criteria: Invitae Variant Classification Sherloc (09022015). Collection method: clinical testing. Allele origin: germline.

NM_001429.4(EP300):c.7013A>G (p.His2338Arg)

Gene: EP300 (EP300 lysine acetyltransferase; plus strand). Cytogenetic location: 22q13.2.
Variant type: single nucleotide variant.
Coding change: c.7013A>G on transcript NM_001429.4 (MANE Select); coding-DNA position 7013, A replaced by G.
Protein change: p.His2338Arg; replaces histidine 2338 with arginine.
Molecular consequence: missense variant.
Genome position (GRCh38, 1-based): chr22:41,178,724, A>G. VCF-style: chr22-41178724-A-G. GRCh37 (hg19) VCF-style: chr22-41574728-A-G.
Other names: c.6935A>G, p.His2312Arg (NM_001362843.2); short protein forms H2338R, H2312R.
Identifiers: ClinVar variation 2140538 (VCV002140538.28), dbSNP rs755811743, ClinGen allele CA10254010.